The following is an entry in ClinVar:

NM_007348.4(ATF6):c.700T>G (p.Leu234Val)

Gene: ATF6 (activating transcription factor 6; plus strand). Cytogenetic location: 1q23.3.
Variant type: single nucleotide variant.
Coding change: c.700T>G on transcript NM_007348.4 (MANE Select); coding-DNA position 700, T replaced by G.
Protein change: p.Leu234Val; replaces leucine 234 with valine.
Molecular consequence: missense variant.
Genome position (GRCh38, 1-based): chr1:161,802,063, T>G. VCF-style: chr1-161802063-T-G. GRCh37 (hg19) VCF-style: chr1-161771853-T-G.
Other names: c.700T>G, p.Leu234Val (NM_001410890.1); short protein forms L234V.
Identifiers: ClinVar variation 1717116 (VCV001717116.5), dbSNP rs2525183244, ClinGen allele CA343388527.

ClinVar aggregate classification (germline): Uncertain significance (1 of 4 stars; one submission).

Allele frequency attached by ClinVar (database versions not stated): gnomAD exomes below 0.00001.
gnomAD v4.1: 1 of 1,614,088 alleles (0.000062%); highest among the groups gnomAD compares: South Asian, 0.0011%; no homozygotes.

Submission:

Labcorp Genetics (formerly Invitae), Labcorp
Classification: Uncertain significance. Last evaluated: 2022-08-20. Review status: criteria provided, single submitter. Criteria: Invitae Variant Classification Sherloc (09022015). Collection method: clinical testing. Allele origin: germline.
Comment: In summary, the available evidence is currently insufficient to determine the role of this variant in disease. Therefore, it has been classified as a Variant of Uncertain Significance. Algorithms developed to predict the effect of missense changes on protein structure and function output the following: SIFT: "Tolerated"; PolyPhen-2: "Benign"; Align-GVGD: "Class C0". The valine amino acid residue is found in multiple mammalian species, which suggests that this missense change does not adversely affect protein function. This variant has not been reported in the literature in individuals affected with ATF6-related conditions. This variant is not present in population databases (gnomAD no frequency). This sequence change replaces leucine, which is neutral and non-polar, with valine, which is neutral and non-polar, at codon 234 of the ATF6 protein (p.Leu234Val).